The following is an entry in ClinVar:

NM_014704.4(CEP104):c.1659+1G>A

Gene: CEP104 (centrosomal protein 104; minus strand). Cytogenetic location: 1p36.32.
Variant type: single nucleotide variant.
Coding change: c.1659+1G>A on transcript NM_014704.4 (MANE Select); the canonical splice donor site of the intron after coding-DNA position 1659, G replaced by A.
Molecular consequence: splice donor variant.
Genome position (GRCh38, 1-based): chr1:3,833,861, C>T on the plus strand (G>A on the coding strand, the complement: CEP104 is on the minus strand). VCF-style: chr1-3833861-C-T. GRCh37 (hg19) VCF-style: chr1-3750425-C-T.
Identifiers: ClinVar variation 4772199 (VCV004772199.1).
Genomic context (GRCh38, chr1:3,833,861, plus strand): 5'-CAGAGAGCTACAGGAATATGTTTATCATCTACGGTTTCAAATGCCGTGGTGAAGTTCAGA[C>T]CTGAATAAAATTTGCAGCTGTGACGCGGAGGCGGGCAGAAGAATCTCCAGTTCTGGTGAG-3'

ClinVar aggregate classification (germline): Likely pathogenic (1 of 4 stars; one submission).

Conditions:
Joubert syndrome 25 (JBTS25). Identifiers: Orphanet 475, MedGen C4084842, MONDO:0014770, OMIM 616781.

Submission:

Labcorp Genetics (formerly Invitae), Labcorp
Classification: Likely pathogenic for Joubert syndrome 25. Last evaluated: 2025-11-01. Review status: criteria provided, single submitter. Criteria: Invitae Variant Classification Sherloc (09022015). Collection method: clinical testing. Allele origin: germline.
Comment: This sequence change affects a donor splice site in intron 12 of the CEP104 gene. It is expected to disrupt RNA splicing. Variants that disrupt the donor or acceptor splice site typically lead to a loss of protein function (PMID: 16199547), and loss-of-function variants in CEP104 are known to be pathogenic (PMID: 26477546). This variant is not present in population databases (gnomAD no frequency). This variant has not been reported in the literature in individuals affected with CEP104-related conditions. Algorithms developed to predict the effect of sequence changes on RNA splicing suggest that this variant may disrupt the consensus splice site. In summary, the currently available evidence indicates that the variant is pathogenic, but additional data are needed to prove that conclusively. Therefore, this variant has been classified as Likely Pathogenic.

Literature cited by the submitters: PubMed 16199547; PubMed 26477546.